The following is an entry in ClinVar:

ClinVar aggregate classification (germline): Uncertain significance (1 of 4 stars; one submission).

Conditions:
GDF3-related disorder. Also called: GDF3-related condition.

gnomAD v4.1: 6 of 1,613,940 alleles (0.00037%); highest among the groups gnomAD compares: East Asian, 0.0089%; no homozygotes.

Submission:

PreventionGenetics, part of Exact Sciences
Classification: Uncertain significance for GDF3-related condition. Last evaluated: 2022-09-29. Review status: criteria provided, single submitter. Criteria: ACMG Guidelines, 2015. Collection method: clinical testing. Allele origin: germline.
Comment: The GDF3 c.268+1G>A variant is predicted to disrupt the GT donor site and interfere with normal splicing. To our knowledge, this variant has not been reported in the literature or in a large population database, indicating this variant is rare. At this time, the clinical significance of this variant is uncertain due to the absence of conclusive functional and genetic evidence.

NM_020634.3(GDF3):c.268+1G>A

Gene: GDF3 (growth differentiation factor 3; minus strand). Cytogenetic location: 12p13.31.
Variant type: single nucleotide variant.
Coding change: c.268+1G>A on transcript NM_020634.3 (MANE Select); the canonical splice donor site of the intron after coding-DNA position 268, G replaced by A.
Molecular consequence: splice donor variant.
Genome position (GRCh38, 1-based): chr12:7,695,460, C>T on the plus strand (G>A on the coding strand, the complement: GDF3 is on the minus strand). VCF-style: chr12-7695460-C-T. GRCh37 (hg19) VCF-style: chr12-7848056-C-T.
Identifiers: ClinVar variation 2637178 (VCV002637178.1), dbSNP rs1864172994, ClinGen allele CA383766846.